The following is an entry in ClinVar:

NM_152269.5(MTRFR):c.96_99dup (p.Pro34fs)

Gene: MTRFR (mitochondrial translation release factor in rescue; plus strand). Cytogenetic location: 12q24.31.
Variant type: Duplication.
Coding change: c.96_99dup on transcript NM_152269.5 (MANE Select); coding-DNA positions 96 to 99, 4 bases duplicated (ATCC; older notation c.96_99dupATCC).
Protein change: p.Pro34fs; shifts the reading frame from proline 34.
Molecular consequence: frameshift variant.
Genome position (GRCh38, 1-based): chr12:123,253,770-123,253,773, ATCC duplicated. VCF-style (leftmost placement, unchanged base first): chr12-123253769-T-TATCC. GRCh37 (hg19) VCF-style: chr12-123738316-T-TATCC.
Other names: c.96_99dup, p.Pro34fs (NM_001143905.2, NM_001194995.1); c.96_99dup (NM_152269.4); short protein forms P34fs.
Identifiers: ClinVar variation 214192 (VCV000214192.52), dbSNP rs863223926, ClinGen allele CA322712.

ClinVar aggregate classification (germline): Pathogenic. Review status: criteria provided, multiple submitters, no conflicts (2 of 4 stars). 5 submissions from 5 submitters: Pathogenic (5). Last evaluated 2025-08-14.

Conditions:
Combined oxidative phosphorylation defect type 7. Identifiers: Orphanet 254930, MedGen C3150801, MONDO:0013306, OMIM 613559.
Spastic paraplegia. Identifiers: MedGen C0037772, HP:0001258.
Hereditary spastic paraplegia 55. Also called: Spastic paraplegia 55, autosomal recessive. Identifiers: Orphanet 320375, MedGen C3539506, MONDO:0014020, OMIM 615035.
C12ORF65-related disorders.

Allele frequency attached by ClinVar (database versions not stated): ExAC 0.00004; gnomAD exomes 0.00004 and 0.00009; TOPMed 0.00005; gnomAD 0.00006 and 0.00007.

Submissions (5):

Labcorp Genetics (formerly Invitae), Labcorp
Classification: Pathogenic for Combined oxidative phosphorylation defect type 7; Spastic paraplegia. Last evaluated: 2025-08-14. Review status: criteria provided, single submitter. Criteria: Invitae Variant Classification Sherloc (09022015). Collection method: clinical testing. Allele origin: germline.
Comment: This sequence change creates a premature translational stop signal (p.Pro34Ilefs*25) in the C12orf65 gene. It is expected to result in an absent or disrupted protein product. Loss-of-function variants in C12orf65 are known to be pathogenic (PMID: 20598281, 24424123). This variant is present in population databases (rs765675424, gnomAD 0.006%). This premature translational stop signal has been observed in individual(s) with Behr’s syndrome (PMID: 24284555, 25058219, 26380172, 28251916). In at least one individual the data is consistent with being in trans (on the opposite chromosome) from a pathogenic variant. It has also been observed to segregate with disease in related individuals. ClinVar contains an entry for this variant (Variation ID: 214192). Algorithms developed to predict the effect of sequence changes on RNA splicing suggest that this variant may disrupt the consensus splice site. For these reasons, this variant has been classified as Pathogenic.

GeneDx
Classification: Pathogenic. Last evaluated: 2023-07-24. Review status: criteria provided, single submitter. Criteria: GeneDx Variant Classification Process June 2021. Collection method: clinical testing. Allele origin: germline. Affected: yes.
Comment: Frameshift variant predicted to result in protein truncation or nonsense mediated decay in a gene for which loss-of-function is a known mechanism of disease; Not observed at a significant frequency in large population cohorts (gnomAD); This variant is associated with the following publications: (PMID: 24284555, 28251916, 28708278, 25058219, 26380172, 38895864)

Blueprint Genetics
Classification: Pathogenic for C12ORF65-related disorders. Last evaluated: 2022-12-09. Review status: criteria provided, single submitter. Criteria: ACMG Guidelines, 2015. Collection method: clinical testing. Allele origin: germline. Affected: yes. Observed: 4 variant alleles.

Fulgent Genetics
Classification: Pathogenic for Combined oxidative phosphorylation defect type 7; Hereditary spastic paraplegia 55. Last evaluated: 2022-03-30. Review status: criteria provided, single submitter. Criteria: ACMG Guidelines, 2015. Collection method: clinical testing. Allele origin: unknown.

CeGaT Center for Human Genetics Tuebingen
Classification: Pathogenic. Last evaluated: 2021-06-01. Review status: criteria provided, single submitter. Criteria: CeGaT Center For Human Genetics Tuebingen Variant Classification Criteria Version 2. Collection method: clinical testing. Allele origin: germline. Affected: yes. Observed: 4 variant alleles.

Literature cited by the submitters: PubMed 20598281 (cited by Labcorp Genetics (formerly Invitae), Labcorp); PubMed 24424123 (cited by Labcorp Genetics (formerly Invitae), Labcorp); PubMed 24284555 (cited by Labcorp Genetics (formerly Invitae), Labcorp); PubMed 25058219 (cited by Labcorp Genetics (formerly Invitae), Labcorp); PubMed 26380172 (cited by Labcorp Genetics (formerly Invitae), Labcorp); PubMed 28251916 (cited by Labcorp Genetics (formerly Invitae), Labcorp).